The following is an entry in ClinVar:

ClinVar aggregate classification (germline): Conflicting classifications of pathogenicity. Review status: criteria provided, conflicting classifications (1 of 4 stars). 5 submissions from 5 submitters: Pathogenic (1); Uncertain significance (1); Likely benign (2). 1 of the submissions does not count toward it. Last evaluated 2026-01-15.

Conditions:
NR5A1-related disorder. Also called: NR5A1-related condition.
Spermatogenic failure 8 (SPGF8). Identifiers: MedGen C3151406, MONDO:0013504, OMIM 613957.
Oligosynaptic infertility (SPGF1). Also called: OLIGOCHIASMATIC INFERTILITY; SPERMATOGENIC FAILURE 1. Identifiers: MedGen C0403810, MONDO:0009776, OMIM 258150.
46 XY differences of sex development. Also called: 46,XY disorder of sex development; 46, XY disorder of sex development (DSD). Identifiers: Orphanet 98085, MedGen C2751824, MONDO:0020040.

Allele frequency attached by ClinVar (database versions not stated): ExAC 0.00026; gnomAD 0.00088 and 0.00098; 1000 Genomes Project 0.00100; ESP Exome Variant Server 0.00112; TOPMed 0.00124; 1000 Genomes Project 30x 0.00141.
gnomAD v4.1: 285 of 1,612,350 alleles (0.018%); highest among the groups gnomAD compares: African/African-American, 0.28%; 1 homozygote.

Submissions (5):

Labcorp Genetics (formerly Invitae), Labcorp
Classification: Likely benign for 46 XY differences of sex development; Oligosynaptic infertility. Last evaluated: 2026-01-15. Review status: criteria provided, single submitter. Criteria: Invitae Variant Classification Sherloc (09022015). Collection method: clinical testing. Allele origin: germline.

Mendelics
Classification: Uncertain significance. Last evaluated: 2022-05-04. Review status: criteria provided, single submitter. Criteria: Mendelics Assertion Criteria 2019. Collection method: clinical testing. Allele origin: germline.

GeneDx
Classification: Likely benign. Last evaluated: 2021-05-11. Review status: criteria provided, single submitter. Criteria: GeneDx Variant Classification Process June 2021. Collection method: clinical testing. Allele origin: germline. Affected: yes.
Comment: This variant is associated with the following publications: (PMID: 23543655, 32242295, 20887963, 31787151)

Clinical Cytology, Cytogenetics, Reproductive Biology and Human Development Laboratory, Cheikh Anta Diop University
Classification: Pathogenic for Spermatogenic failure 8. Review status: criteria provided, single submitter. Criteria: ACMG Guidelines, 2015. Collection method: research. Allele origin: de novo. Inheritance: Autosomal recessive inheritance. Affected: yes.

PreventionGenetics, part of Exact Sciences
Classification: Likely benign for NR5A1-related condition. Last evaluated: 2022-02-09. Review status: no assertion criteria provided. Collection method: clinical testing. Allele origin: germline. Not counted in ClinVar's aggregate classification.
Comment: This variant is classified as likely benign based on ACMG/AMP sequence variant interpretation guidelines (Richards et al. 2015 PMID: 25741868, with internal and published modifications).

Literature cited by the submitters: PubMed 20887963 (cited by Clinical Cytology, Cytogenetics, Reproductive Biology and Human Development Laboratory, Cheikh Anta Diop University).

NM_004959.5(NR5A1):c.368G>C (p.Gly123Ala)

Gene: NR5A1 (nuclear receptor subfamily 5 group A member 1; minus strand). Cytogenetic location: 9q33.3.
Variant type: single nucleotide variant.
Coding change: c.368G>C on transcript NM_004959.5 (MANE Select); coding-DNA position 368, G replaced by C.
Protein change: p.Gly123Ala; replaces glycine 123 with alanine.
Molecular consequence: missense variant.
Genome position (GRCh38, 1-based): chr9:124,500,592, C>G on the plus strand (G>C on the coding strand, the complement: NR5A1 is on the minus strand). VCF-style: chr9-124500592-C-G. GRCh37 (hg19) VCF-style: chr9-127262871-C-G.
Other names: SF-1: steroidogenic factor 1; short protein forms G123A.
Identifiers: ClinVar variation 242792 (VCV000242792.15), dbSNP rs200163795, ClinGen allele CA034488.